The following is an entry in ClinVar:

ClinVar aggregate classification (germline): Uncertain significance. Review status: criteria provided, multiple submitters, no conflicts (2 of 4 stars). 3 submissions from 3 submitters: Uncertain significance (2). 1 of the submissions does not count toward it. Last evaluated 2024-10-08.

Conditions:
Multiple congenital anomalies-hypotonia-seizures syndrome 3 (MCAHS3). Also called: GLYCOSYLPHOSPHATIDYLINOSITOL BIOSYNTHESIS DEFECT 7. Identifiers: Orphanet 369837, MedGen C3809356, MONDO:0014165, OMIM 615398.
High myopia. Also called: Severe Myopia. Identifiers: MedGen C0271183, HP:0011003.

Allele frequency attached by ClinVar (database versions not stated): ExAC 0.00002; gnomAD exomes 0.00002; TOPMed 0.00003.
gnomAD v4.1: 33 of 1,613,616 alleles (0.002%); highest among the groups gnomAD compares: Middle Eastern, 0.017%; no homozygotes.

Submissions (3):

Labcorp Genetics (formerly Invitae), Labcorp
Classification: Uncertain significance for Multiple congenital anomalies-hypotonia-seizures syndrome 3. Last evaluated: 2024-10-08. Review status: criteria provided, single submitter. Criteria: Invitae Variant Classification Sherloc (09022015). Collection method: clinical testing. Allele origin: germline.
Comment: This sequence change creates a premature translational stop signal (p.Arg573*) in the PIGT gene. While this is not anticipated to result in nonsense mediated decay, it is expected to disrupt the last 6 amino acid(s) of the PIGT protein. This variant is present in population databases (rs774183841, gnomAD 0.006%). This variant has not been reported in the literature in individuals affected with PIGT-related conditions. ClinVar contains an entry for this variant (Variation ID: 623461). Experimental studies and prediction algorithms are not available or were not evaluated, and the functional significance of this variant is currently unknown. In summary, the available evidence is currently insufficient to determine the role of this variant in disease. Therefore, it has been classified as a Variant of Uncertain Significance.

Blueprint Genetics
Classification: Uncertain significance. Last evaluated: 2021-06-01. Review status: criteria provided, single submitter. Criteria: ACMG Guidelines, 2015. Collection method: clinical testing. Allele origin: germline.

Institute of Human Genetics, Polish Academy of Sciences
Classification: Uncertain significance for Severe Myopia. Last evaluated: 2018-12-17. Review status: no assertion criteria provided. Collection method: research. Allele origin: unknown. Affected: yes. Not counted in ClinVar's aggregate classification.

NM_015937.6(PIGT):c.1717C>T (p.Arg573Ter)

Gene: PIGT (phosphatidylinositol glycan anchor biosynthesis class T; plus strand). Cytogenetic location: 20q13.12.
Variant type: single nucleotide variant.
Coding change: c.1717C>T on transcript NM_015937.6 (MANE Select); coding-DNA position 1717, C replaced by T.
Protein change: p.Arg573Ter; replaces arginine 573 with a stop codon.
Molecular consequence: nonsense. On other transcripts: non-coding transcript variant (5).
Genome position (GRCh38, 1-based): chr20:45,425,806, C>T. VCF-style: chr20-45425806-C-T. GRCh37 (hg19) VCF-style: chr20-44054446-C-T.
Other names: c.1549C>T, p.Arg517Ter (NM_001184728.3); c.1516C>T, p.Arg506Ter (NM_001184729.3); c.1411C>T, p.Arg471Ter (NM_001184730.3); short protein forms R471*, R573*, R506*, R517*.
Identifiers: ClinVar variation 623461 (VCV000623461.8), dbSNP rs774183841, ClinGen allele CA9878371.